The following is an entry in ClinVar:

ClinVar aggregate classification (germline): Pathogenic (1 of 4 stars; one submission).

Submission:

Labcorp Genetics (formerly Invitae), Labcorp
Classification: Pathogenic. Last evaluated: 2024-06-05. Review status: criteria provided, single submitter. Criteria: Invitae Variant Classification Sherloc (09022015). Collection method: clinical testing. Allele origin: germline.
Comment: This sequence change creates a premature translational stop signal (p.His441Argfs*70) in the MSH3 gene. It is expected to result in an absent or disrupted protein product. Loss-of-function variants in MSH3 are known to be pathogenic (PMID: 27476653, 37402566). This variant is not present in population databases (gnomAD no frequency). This variant has not been reported in the literature in individuals affected with MSH3-related conditions. For these reasons, this variant has been classified as Pathogenic.

Literature cited by the submitters: PubMed 27476653; PubMed 37402566.

NM_002439.5(MSH3):c.1278_1321dup (p.His441fs)

Gene: MSH3 (mutS homolog 3; plus strand). Cytogenetic location: 5q14.1.
Variant type: Duplication.
Coding change: c.1278_1321dup on transcript NM_002439.5 (MANE Select); coding-DNA positions 1278 to 1321, 44 bases duplicated.
Protein change: p.His441fs; shifts the reading frame from histidine 441.
Molecular consequence: frameshift variant.
Genome position (GRCh38, 1-based): chr5:80,679,031-80,679,074, 44 bases duplicated. GRCh37 (hg19): chr5:79,974,850-79,974,893.
Other names: short protein forms H441fs.
Identifiers: ClinVar variation 3655720 (VCV003655720.2).